The following is an entry in ClinVar:

ClinVar aggregate classification (germline): Uncertain significance (1 of 4 stars; one submission).

Conditions:
Progressive sclerosing poliodystrophy (MTDPS4A). Also called: Mitochondrial DNA depletion syndrome 4A (Alpers type); Alpers Syndrome; ALPERS DIFFUSE DEGENERATION OF CEREBRAL GRAY MATTER WITH HEPATIC CIRRHOSIS; Alpers-Huttenlocher Syndrome; ALPERS PROGRESSIVE INFANTILE POLIODYSTROPHY; NEURONAL DEGENERATION OF CHILDHOOD WITH LIVER DISEASE, PROGRESSIVE. Identifiers: Orphanet 726, MedGen C0205710, MONDO:0008758, OMIM 203700.

Allele frequency attached by ClinVar (database versions not stated): ExAC 0.00001; gnomAD 0.00001; TOPMed 0.00001.
gnomAD v4.1: 27 of 1,614,014 alleles (0.0017%); highest among the groups gnomAD compares: Non-Finnish European, 0.0021%; no homozygotes.

Submission:

Labcorp Genetics (formerly Invitae), Labcorp
Classification: Uncertain significance for Progressive sclerosing poliodystrophy. Last evaluated: 2024-09-23. Review status: criteria provided, single submitter. Criteria: Invitae Variant Classification Sherloc (09022015). Collection method: clinical testing. Allele origin: germline.
Comment: This sequence change replaces serine, which is neutral and polar, with asparagine, which is neutral and polar, at codon 1063 of the POLG protein (p.Ser1063Asn). This variant is present in population databases (rs753828043, gnomAD no frequency). This variant has not been reported in the literature in individuals affected with POLG-related conditions. ClinVar contains an entry for this variant (Variation ID: 2145145). Invitae Evidence Modeling of protein sequence and biophysical properties (such as structural, functional, and spatial information, amino acid conservation, physicochemical variation, residue mobility, and thermodynamic stability) has been performed for this missense variant. However, the output from this modeling did not meet the statistical confidence thresholds required to predict the impact of this variant on POLG protein function. In summary, the available evidence is currently insufficient to determine the role of this variant in disease. Therefore, it has been classified as a Variant of Uncertain Significance.

NM_002693.3(POLG):c.3188G>A (p.Ser1063Asn)

Gene: POLG (DNA polymerase gamma, catalytic subunit; minus strand). Cytogenetic location: 15q26.1.
Variant type: single nucleotide variant.
Coding change: c.3188G>A on transcript NM_002693.3 (MANE Select); coding-DNA position 3188, G replaced by A.
Protein change: p.Ser1063Asn; replaces serine 1063 with asparagine.
Molecular consequence: missense variant.
Genome position (GRCh38, 1-based): chr15:89,319,016, C>T on the plus strand (G>A on the coding strand, the complement: POLG is on the minus strand). VCF-style: chr15-89319016-C-T. GRCh37 (hg19) VCF-style: chr15-89862247-C-T.
Other names: c.3188G>A, p.Ser1063Asn (NM_001126131.2); short protein forms S1063N.
Identifiers: ClinVar variation 2145145 (VCV002145145.3), dbSNP rs753828043, ClinGen allele CA7724214.